The following is an entry in ClinVar:

NM_139137.4(KCNC2):c.195G>A (p.Pro65=)

Gene: KCNC2 (potassium voltage-gated channel subfamily C member 2; minus strand). Cytogenetic location: 12q21.1.
Variant type: single nucleotide variant.
Coding change: c.195G>A on transcript NM_139137.4 (MANE Select); coding-DNA position 195, G replaced by A.
Protein change: p.Pro65=; no amino-acid change (proline 65 retained).
Molecular consequence: synonymous variant. On other transcripts: non-coding transcript variant (2).
Genome position (GRCh38, 1-based): chr12:75,207,789, C>T on the plus strand (G>A on the coding strand, the complement: KCNC2 is on the minus strand). VCF-style: chr12-75207789-C-T. GRCh37 (hg19) VCF-style: chr12-75601569-C-T.
Other names: c.195G>A, p.Pro65= (NM_001260497.2, NM_001260498.2, NM_001260499.2 and 13 more transcripts); c.195G>A (NM_139137.3).
Identifiers: ClinVar variation 4821011 (VCV004821011.5).

ClinVar aggregate classification (germline): Likely benign. Review status: criteria provided, multiple submitters, no conflicts (2 of 4 stars). 2 submissions from 2 submitters: Likely benign (2). Last evaluated 2025-12-01.

Conditions:
KCNC2-related disorder.

gnomAD v4.1: 693 of 1,591,484 alleles (0.044%); highest among the groups gnomAD compares: South Asian, 0.62%; 8 homozygotes.

Submissions (2):

CeGaT Center for Human Genetics Tuebingen
Classification: Likely benign. Last evaluated: 2025-12-01. Review status: criteria provided, single submitter. Criteria: CeGaT Center For Human Genetics Tuebingen Variant Classification Criteria Version 2. Collection method: clinical testing. Allele origin: germline. Affected: yes. Observed: 1 variant allele.
Comment: KCNC2: BP4, BP7

PreventionGenetics, part of Exact Sciences
Classification: Likely benign for KCNC2-related condition. Last evaluated: 2025-04-11. Review status: criteria provided, single submitter. Criteria: ACMG Guidelines, 2015. Collection method: clinical testing. Allele origin: germline.
Comment: This variant is classified as likely benign based on ACMG/AMP sequence variant interpretation guidelines (Richards et al. 2015 PMID: 25741868, with internal and published modifications).